The following is an entry in ClinVar:

ClinVar aggregate classification (germline): Uncertain significance (1 of 4 stars; one submission).

Conditions:
Sulfite oxidase deficiency. Also called: Isolated sulfite oxidase deficiency. Identifiers: Orphanet 833, Orphanet 99731, MedGen C0268624, MONDO:0010089, OMIM 272300, HP:0003643.

Allele frequency attached by ClinVar (database versions not stated): ExAC 0.00001; gnomAD exomes 0.00001 and 0.00002; TOPMed 0.00002; gnomAD 0.00003.
gnomAD v4.1: 15 of 1,614,018 alleles (0.00093%); highest among the groups gnomAD compares: African/African-American, 0.008%; no homozygotes.

Submission:

Labcorp Genetics (formerly Invitae), Labcorp
Classification: Uncertain significance for Sulfite oxidase deficiency. Last evaluated: 2024-09-05. Review status: criteria provided, single submitter. Criteria: Invitae Variant Classification Sherloc (09022015). Collection method: clinical testing. Allele origin: germline.
Comment: This sequence change replaces arginine, which is basic and polar, with tryptophan, which is neutral and slightly polar, at codon 398 of the SUOX protein (p.Arg398Trp). This variant is present in population databases (rs753541539, gnomAD 0.02%). This variant has not been reported in the literature in individuals affected with SUOX-related conditions. ClinVar contains an entry for this variant (Variation ID: 1018095). Invitae Evidence Modeling of protein sequence and biophysical properties (such as structural, functional, and spatial information, amino acid conservation, physicochemical variation, residue mobility, and thermodynamic stability) indicates that this missense variant is not expected to disrupt SUOX protein function with a negative predictive value of 80%. In summary, the available evidence is currently insufficient to determine the role of this variant in disease. Therefore, it has been classified as a Variant of Uncertain Significance.

NM_001032386.2(SUOX):c.1192C>T (p.Arg398Trp)

Gene: SUOX (sulfite oxidase; plus strand). Cytogenetic location: 12q13.2.
Variant type: single nucleotide variant.
Coding change: c.1192C>T on transcript NM_001032386.2 (MANE Select); coding-DNA position 1192, C replaced by T.
Protein change: p.Arg398Trp; replaces arginine 398 with tryptophan.
Molecular consequence: missense variant.
Genome position (GRCh38, 1-based): chr12:56,004,581, C>T. VCF-style: chr12-56004581-C-T. GRCh37 (hg19) VCF-style: chr12-56398365-C-T.
Other names: c.1192C>T, p.Arg398Trp (NM_000456.3, NM_001032387.2); short protein forms R398W.
Identifiers: ClinVar variation 1018095 (VCV001018095.7), dbSNP rs753541539, ClinGen allele CA6621126.